The following is an entry in ClinVar:

ClinVar aggregate classification (germline): Uncertain significance. Review status: criteria provided, multiple submitters, no conflicts (2 of 4 stars). 2 submissions from 2 submitters: Uncertain significance (2). Last evaluated 2025-01-15.

Conditions:
Inborn genetic diseases. Identifiers: MedGen C0950123, MeSH D030342.

Allele frequency attached by ClinVar (database versions not stated): ExAC 0.00001; gnomAD 0.00001; gnomAD exomes 0.00001; TOPMed 0.00001.
gnomAD v4.1: 20 of 1,613,340 alleles (0.0012%); highest among the groups gnomAD compares: Non-Finnish European, 0.0017%; no homozygotes.

Submissions (2):

Ambry Genetics
Classification: Uncertain significance for Inborn genetic diseases. Last evaluated: 2025-01-15. Review status: criteria provided, single submitter. Criteria: Ambry Variant Classification Scheme 2023. Collection method: clinical testing. Allele origin: germline.

Mayo Clinic Laboratories, Mayo Clinic
Classification: Uncertain significance. Last evaluated: 2023-03-07. Review status: criteria provided, single submitter. Criteria: ACMG Guidelines, 2015. Collection method: clinical testing. Allele origin: germline. Observed: 1 variant allele.
Comment: BP4

NM_001039.4(SCNN1G):c.1468C>T (p.Arg490Trp)

Gene: SCNN1G (sodium channel epithelial 1 subunit gamma; plus strand). Cytogenetic location: 16p12.2.
Variant type: single nucleotide variant.
Coding change: c.1468C>T on transcript NM_001039.4 (MANE Select); coding-DNA position 1468, C replaced by T.
Protein change: p.Arg490Trp; replaces arginine 490 with tryptophan.
Molecular consequence: missense variant.
Genome position (GRCh38, 1-based): chr16:23,213,138, C>T. VCF-style: chr16-23213138-C-T. GRCh37 (hg19) VCF-style: chr16-23224459-C-T.
Other names: p.Arg490Trp; c.1468C>T (NM_001039.3); short protein forms R490W.
Identifiers: ClinVar variation 2683350 (VCV002683350.2), dbSNP rs72647530, ClinGen allele CA7959883.
Genomic context (GRCh38, chr16:23,213,138, plus strand): 5'-CCACGCTTTCTCTCTCCGTTGTAGAAGTGGTTGCTGCCTGTTCTCACTTGGGACCAAGGC[C>T]GGCAAGTAAACAAAAAGCTCAACAAGTAAGTTACCTCTACCCTGTTCCTCTGTCTCTTCC-3'
Protein context (NP_001030.2, residues 480-500): LLPVLTWDQG[Arg490Trp]QVNKKLNKTD